The following is an entry in ClinVar:

NM_001379500.1(COL18A1):c.3956C>T (p.Ala1319Val)

Genes: COL18A1 (collagen type XVIII alpha 1 chain; plus strand), SLC19A1 (solute carrier family 19 member 1; minus strand). Cytogenetic location: 21q22.3.
Variant type: single nucleotide variant.
Coding change: c.3956C>T on transcript NM_001379500.1 (MANE Select); coding-DNA position 3956, C replaced by T.
Protein change: p.Ala1319Val; replaces alanine 1319 with valine.
Molecular consequence: missense variant.
Genome position (GRCh38, 1-based): chr21:45,512,334, C>T. VCF-style: chr21-45512334-C-T. GRCh37 (hg19) VCF-style: chr21-46932248-C-T.
Other names: c.4487C>T, p.Ala1496Val (NM_030582.4); c.5192C>T, p.Ala1731Val (NM_130444.3); short protein forms A1319V, A1496V, A1731V.
Identifiers: ClinVar variation 1427681 (VCV001427681.6), dbSNP rs375488894, ClinGen allele CA10068147.

ClinVar aggregate classification (germline): Conflicting classifications of pathogenicity. Review status: criteria provided, conflicting classifications (1 of 4 stars). 3 submissions from 3 submitters: Uncertain significance (2); Likely benign (1). Last evaluated 2026-01-11.

Conditions:
Knobloch syndrome 1 (KNO1). Identifiers: MedGen C4551775, MONDO:0800167, OMIM 267750.

Allele frequency attached by ClinVar (database versions not stated): gnomAD 0.00011; TOPMed 0.00013; gnomAD exomes 0.00019; ExAC 0.00024; ESP Exome Variant Server 0.00024.
gnomAD v4.1: 368 of 1,612,538 alleles (0.023%); highest among the groups gnomAD compares: Non-Finnish European, 0.029%; no homozygotes.

Submissions (3):

Labcorp Genetics (formerly Invitae), Labcorp
Classification: Uncertain significance. Last evaluated: 2026-01-11. Review status: criteria provided, single submitter. Criteria: Invitae Variant Classification Sherloc (09022015). Collection method: clinical testing. Allele origin: germline.
Comment: This sequence change replaces alanine, which is neutral and non-polar, with valine, which is neutral and non-polar, at codon 1316 of the COL18A1 protein (p.Ala1316Val). This variant is present in population databases (rs375488894, gnomAD 0.03%). This variant has not been reported in the literature in individuals affected with COL18A1-related conditions. ClinVar contains an entry for this variant (Variation ID: 1427681). Experimental studies and prediction algorithms are not available or were not evaluated, and the functional significance of this variant is currently unknown. In summary, the available evidence is currently insufficient to determine the role of this variant in disease. Therefore, it has been classified as a Variant of Uncertain Significance.

Blueprint Genetics
Classification: Likely benign. Last evaluated: 2024-10-31. Review status: criteria provided, single submitter. Criteria: ACMG Guidelines, 2015. Collection method: clinical testing. Allele origin: germline.

Department of Pathology and Laboratory Medicine, Sinai Health System
Classification: Uncertain significance for Knobloch syndrome 1. Last evaluated: 2021-11-05. Review status: criteria provided, single submitter. Criteria: ACMG Guidelines, 2015. Collection method: research. Allele origin: germline.